The following is an entry in ClinVar:

NM_033004.4(NLRP1):c.85G>A (p.Ala29Thr)

Genes: NLRP1 (NLR family pyrin domain containing 1; minus strand), LOC126862475 (CDK7 strongly-dependent group 2 enhancer GRCh37_chr17:5487167-5488366; plus strand). Cytogenetic location: 17p13.2.
Variant type: single nucleotide variant.
Coding change: c.85G>A on transcript NM_033004.4 (MANE Select); coding-DNA position 85, G replaced by A.
Protein change: p.Ala29Thr; replaces alanine 29 with threonine.
Molecular consequence: missense variant.
Genome position (GRCh38, 1-based): chr17:5,583,873, C>T on the plus strand (G>A on the coding strand, the complement: NLRP1 is on the minus strand). VCF-style: chr17-5583873-C-T. GRCh37 (hg19) VCF-style: chr17-5487193-C-T.
Other names: c.85G>A, p.Ala29Thr (NM_001033053.3, NM_014922.5, NM_033006.4 and 1 more transcripts); short protein forms A29T.
Identifiers: ClinVar variation 2729131 (VCV002729131.14), dbSNP rs971095282, ClinGen allele CA287293717.

ClinVar aggregate classification (germline): Conflicting classifications of pathogenicity. Review status: criteria provided, conflicting classifications (1 of 4 stars). 3 submissions from 3 submitters: Uncertain significance (2); Likely benign (1). Last evaluated 2026-01-07.

Allele frequency attached by ClinVar (database versions not stated): gnomAD 0.00001.
gnomAD v4.1: 13 of 1,588,310 alleles (0.00082%); highest among the groups gnomAD compares: African/African-American, 0.004%; no homozygotes.

Submissions (3):

Labcorp Genetics (formerly Invitae), Labcorp
Classification: Uncertain significance. Last evaluated: 2026-01-07. Review status: criteria provided, single submitter. Criteria: Invitae Variant Classification Sherloc (09022015). Collection method: clinical testing. Allele origin: germline.
Comment: This sequence change replaces alanine, which is neutral and non-polar, with threonine, which is neutral and polar, at codon 29 of the NLRP1 protein (p.Ala29Thr). The frequency data for this variant in the population databases is considered unreliable, as metrics indicate poor data quality at this position in the gnomAD database. This variant has not been reported in the literature in individuals affected with NLRP1-related conditions. ClinVar contains an entry for this variant (Variation ID: 2729131). An algorithm developed to predict the effect of missense changes on protein structure and function outputs the following: PolyPhen-2: "Benign". The threonine amino acid residue is found in multiple mammalian species, which suggests that this missense change does not adversely affect protein function. In summary, the available evidence is currently insufficient to determine the role of this variant in disease. Therefore, it has been classified as a Variant of Uncertain Significance.

CeGaT Center for Human Genetics Tuebingen
Classification: Likely benign. Last evaluated: 2025-05-01. Review status: criteria provided, single submitter. Criteria: CeGaT Center For Human Genetics Tuebingen Variant Classification Criteria Version 2. Collection method: clinical testing. Allele origin: germline. Affected: yes. Observed: 1 variant allele.
Comment: NLRP1: BP4

Blueprint Genetics
Classification: Uncertain significance. Last evaluated: 2023-08-10. Review status: criteria provided, single submitter. Criteria: ACMG Guidelines, 2015. Collection method: clinical testing. Allele origin: germline.